The following is an entry in ClinVar:

NM_001177701.3(IFT27):c.308G>A (p.Trp103Ter)

Genes: CACNG2-DT (CACNG2 divergent transcript; plus strand), IFT27 (intraflagellar transport 27; minus strand). Cytogenetic location: 22q12.3.
Variant type: single nucleotide variant.
Coding change: c.308G>A on transcript NM_001177701.3 (MANE Select); coding-DNA position 308, G replaced by A.
Protein change: p.Trp103Ter; replaces tryptophan 103 with a stop codon.
Molecular consequence: nonsense.
Genome position (GRCh38, 1-based): chr22:36,763,963, C>T on the plus strand (G>A on the coding strand, the complement: IFT27 is on the minus strand). VCF-style: chr22-36763963-C-T. GRCh37 (hg19) VCF-style: chr22-37160007-C-T.
Other names: c.308G>A, p.Trp103Ter (NM_001363003.2); c.305G>A, p.Trp102Ter (NM_006860.5); short protein forms W102*, W103*.
Identifiers: ClinVar variation 5019902 (VCV005019902.2).

ClinVar aggregate classification (germline): Likely pathogenic (1 of 4 stars; one submission).

Conditions:
Bardet-Biedl syndrome 19 (BBS19). Identifiers: Orphanet 110, MedGen C3889475, MONDO:0014447, OMIM 615996.

Submission:

Juno Genomics, Hangzhou Juno Genomics, Inc
Classification: Likely pathogenic for Bardet-Biedl syndrome 19. Review status: criteria provided, single submitter. Criteria: ACMG Guidelines, 2015. Collection method: clinical testing. Allele origin: germline.
Comment: Absent from controls (or at extremely low frequency if recessive) in Genome Aggregation Database.;Null variant in a gene where loss of function (LOF) is a known mechanism of disease.